The following is an entry in ClinVar:

NM_004260.4(RECQL4):c.1108C>T (p.Arg370Cys)

Gene: RECQL4 (RecQ like helicase 4; minus strand). Cytogenetic location: 8q24.3.
Variant type: single nucleotide variant.
Coding change: c.1108C>T on transcript NM_004260.4 (MANE Select); coding-DNA position 1108, C replaced by T.
Protein change: p.Arg370Cys; replaces arginine 370 with cysteine.
Molecular consequence: missense variant.
Genome position (GRCh38, 1-based): chr8:144,516,011, G>A on the plus strand (C>T on the coding strand, the complement: RECQL4 is on the minus strand). VCF-style: chr8-144516011-G-A. GRCh37 (hg19) VCF-style: chr8-145741395-G-A.
Other names: short protein forms R370C.
Identifiers: ClinVar variation 528945 (VCV000528945.12), dbSNP rs368979398, ClinGen allele CA4949068.

ClinVar aggregate classification (germline): Uncertain significance. Review status: criteria provided, multiple submitters, no conflicts (2 of 4 stars). 3 submissions from 3 submitters: Uncertain significance (3). Last evaluated 2025-12-24.

Conditions:
Inborn genetic diseases. Identifiers: MedGen C0950123, MeSH D030342.
Rothmund-Thomson syndrome type 2 (RTS2). Identifiers: Orphanet 221016, MedGen C5203410, MONDO:0016369, OMIM 268400.
Baller-Gerold syndrome (BGS). Also called: CRANIOSYNOSTOSIS WITH RADIAL DEFECTS. Identifiers: Orphanet 1225, MedGen C0265308, MONDO:0009039, OMIM 218600.

Allele frequency attached by ClinVar (database versions not stated): gnomAD 0.00001; TOPMed 0.00002; ESP Exome Variant Server 0.00008.
gnomAD v4.1: 107 of 1,609,812 alleles (0.0066%); highest among the groups gnomAD compares: Middle Eastern, 0.016%; no homozygotes.

Submissions (3):

Labcorp Genetics (formerly Invitae), Labcorp
Classification: Uncertain significance for Baller-Gerold syndrome. Last evaluated: 2025-12-24. Review status: criteria provided, single submitter. Criteria: Invitae Variant Classification Sherloc (09022015). Collection method: clinical testing. Allele origin: germline.
Comment: This sequence change replaces arginine, which is basic and polar, with cysteine, which is neutral and slightly polar, at codon 370 of the RECQL4 protein (p.Arg370Cys). This variant is present in population databases (rs368979398, gnomAD 0.006%). This variant has not been reported in the literature in individuals affected with RECQL4-related conditions. ClinVar contains an entry for this variant (Variation ID: 528945). Invitae Evidence Modeling of protein sequence and biophysical properties (such as structural, functional, and spatial information, amino acid conservation, physicochemical variation, residue mobility, and thermodynamic stability) indicates that this missense variant is expected to disrupt RECQL4 protein function with a positive predictive value of 80%. In summary, the available evidence is currently insufficient to determine the role of this variant in disease. Therefore, it has been classified as a Variant of Uncertain Significance.

Ambry Genetics
Classification: Uncertain significance for Inborn genetic diseases. Last evaluated: 2024-11-24. Review status: criteria provided, single submitter. Criteria: Ambry Variant Classification Scheme 2023. Collection method: clinical testing. Allele origin: germline.
Comment: The p.R370C variant (also known as c.1108C>T), located in coding exon 5 of the RECQL4 gene, results from a C to T substitution at nucleotide position 1108. The arginine at codon 370 is replaced by cysteine, an amino acid with highly dissimilar properties. This amino acid position is conserved. In addition, the in silico prediction for this alteration is inconclusive. Based on the available evidence, the clinical significance of this variant remains unclear.

Baylor Genetics
Classification: Uncertain significance for Rothmund-Thomson syndrome type 2. Last evaluated: 2020-12-11. Review status: criteria provided, single submitter. Criteria: ACMG Guidelines, 2015. Collection method: clinical testing. Allele origin: unknown. Affected: yes. Study: CSER-TexasKidsCanSeq.
Comment: This variant was determined to be of uncertain significance according to ACMG Guidelines, 2015 [PMID:25741868].